The following is an entry in ClinVar:

ClinVar aggregate classification (germline): Likely benign. Review status: criteria provided, single submitter (1 of 4 stars). 2 submissions from 2 submitters: Likely benign (1). 1 of the submissions does not count toward it. Last evaluated 2025-12-30.

Conditions:
LAMA2-related muscular dystrophy (LAMA2-RD). Also called: Laminin alpha 2-related dystrophy. Identifiers: MedGen C5679788, MONDO:0100228.
LAMA2-related disorder. Also called: LAMA2-related condition; LAMA2-related disorders.

Allele frequency attached by ClinVar (database versions not stated): gnomAD 0.00007; gnomAD exomes 0.00007 and 0.00019; ESP Exome Variant Server 0.00008; TOPMed 0.00012; ExAC 0.00014.
gnomAD v4.1: 126 of 1,613,678 alleles (0.0078%); highest among the groups gnomAD compares: Admixed American, 0.012%; no homozygotes.

Submissions (2):

Labcorp Genetics (formerly Invitae), Labcorp
Classification: Likely benign for LAMA2-related muscular dystrophy. Last evaluated: 2025-12-30. Review status: criteria provided, single submitter. Criteria: Invitae Variant Classification Sherloc (09022015). Collection method: clinical testing. Allele origin: germline.

PreventionGenetics, part of Exact Sciences
Classification: Likely benign for LAMA2-related condition. Last evaluated: 2020-01-14. Review status: no assertion criteria provided. Collection method: clinical testing. Allele origin: germline. Not counted in ClinVar's aggregate classification.
Comment: This variant is classified as likely benign based on ACMG/AMP sequence variant interpretation guidelines (Richards et al. 2015 PMID: 25741868, with internal and published modifications).

NM_000426.4(LAMA2):c.7772A>G (p.Asn2591Ser)

Gene: LAMA2 (laminin subunit alpha 2; plus strand). Cytogenetic location: 6q22.33.
Variant type: single nucleotide variant.
Coding change: c.7772A>G on transcript NM_000426.4 (MANE Select); coding-DNA position 7772, A replaced by G.
Protein change: p.Asn2591Ser; replaces asparagine 2591 with serine.
Molecular consequence: missense variant.
Genome position (GRCh38, 1-based): chr6:129,486,496, A>G. VCF-style: chr6-129486496-A-G. GRCh37 (hg19) VCF-style: chr6-129807641-A-G.
Other names: c.7760A>G, p.Asn2587Ser (NM_001079823.2); short protein forms N2591S, N2587S.
Identifiers: ClinVar variation 543879 (VCV000543879.16), dbSNP rs200095274, ClinGen allele CA3994664.